The following is an entry in ClinVar:

ClinVar aggregate classification (germline): Uncertain significance (1 of 4 stars; one submission).

Conditions:
Progressive myoclonic epilepsy type 3. Also called: KCTD7-Related Progressive Myoclonic Epilepsy; EPILEPSY, PROGRESSIVE MYOCLONIC, 3, WITH OR WITHOUT INTRACELLULAR INCLUSIONS; CEROID LIPOFUSCINOSIS, NEURONAL, 14; EPILEPSY, PROGRESSIVE MYOCLONIC, 3, WITHOUT INTRACELLULAR INCLUSIONS. Identifiers: Orphanet 263516, MedGen C2673257, MONDO:0012721, OMIM 611726.

Submission:

Labcorp Genetics (formerly Invitae), Labcorp
Classification: Uncertain significance for Progressive myoclonic epilepsy type 3. Last evaluated: 2022-06-03. Review status: criteria provided, single submitter. Criteria: Invitae Variant Classification Sherloc (09022015). Collection method: clinical testing. Allele origin: germline.
Comment: In summary, the available evidence is currently insufficient to determine the role of this variant in disease. Therefore, it has been classified as a Variant of Uncertain Significance. Algorithms developed to predict the effect of missense changes on protein structure and function are either unavailable or do not agree on the potential impact of this missense change (SIFT: "Deleterious"; PolyPhen-2: "Benign"; Align-GVGD: "Class C0"). This variant has not been reported in the literature in individuals affected with KCTD7-related conditions. This variant is not present in population databases (gnomAD no frequency). This sequence change replaces glycine, which is neutral and non-polar, with arginine, which is basic and polar, at codon 158 of the KCTD7 protein (p.Gly158Arg).

NM_153033.5(KCTD7):c.472G>A (p.Gly158Arg)

Gene: KCTD7 (potassium channel tetramerization domain containing 7; plus strand). Cytogenetic location: 7q11.21.
Variant type: single nucleotide variant.
Coding change: c.472G>A on transcript NM_153033.5 (MANE Select); coding-DNA position 472, G replaced by A.
Protein change: p.Gly158Arg; replaces glycine 158 with arginine.
Molecular consequence: missense variant.
Genome position (GRCh38, 1-based): chr7:66,638,410, G>A. VCF-style: chr7-66638410-G-A. GRCh37 (hg19) VCF-style: chr7-66103397-G-A.
Other names: c.472G>A, p.Gly158Arg (NM_001167961.2); short protein forms G158R.
Identifiers: ClinVar variation 2002247 (VCV002002247.4), dbSNP rs2535250088, ClinGen allele CA367696498.